The following is an entry in ClinVar:

ClinVar aggregate classification (germline): Likely pathogenic (1 of 4 stars; one submission).

Conditions:
Familial isolated deficiency of vitamin E (AVED). Also called: ATAXIA, FRIEDREICH-LIKE, WITH SELECTIVE VITAMIN E DEFICIENCY; Ataxia with isolated vitamin E deficiency. Identifiers: Orphanet 96, MedGen C1848533, MONDO:0010188, OMIM 277460.

Submission:

Natera, Inc.
Classification: Likely pathogenic for Ataxia with isolated vitamin E deficiency. Last evaluated: 2024-09-19. Review status: criteria provided, single submitter. Criteria: Natera Variant Classification Schema (03/2026). Collection method: clinical testing. Allele origin: germline.
Comment: The c.488G>A variant in TTPA is a nonsense variant predicted to introduce a stop codon at amino acid 163. This variant is expected to result in nonsense mediated decay, truncation, or a dysfunctional protein product. This variant is rare in the general population with a frequency below the threshold expected for the associated phenotype(s). Given the available evidence, this variant is classified as Likely Pathogenic.

NM_000370.3(TTPA):c.488G>A (p.Trp163Ter)

Gene: TTPA (alpha tocopherol transfer protein; minus strand). Cytogenetic location: 8q12.3.
Variant type: single nucleotide variant.
Coding change: c.488G>A on transcript NM_000370.3 (MANE Select); coding-DNA position 488, G replaced by A.
Protein change: p.Trp163Ter; replaces tryptophan 163 with a stop codon.
Molecular consequence: nonsense. On other transcripts: non-coding transcript variant (2), intron variant (3).
Genome position (GRCh38, 1-based): chr8:63,065,968, C>T on the plus strand (G>A on the coding strand, the complement: TTPA is on the minus strand). VCF-style: chr8-63065968-C-T. GRCh37 (hg19) VCF-style: chr8-63978527-C-T.
Other names: c.488G>A, p.Trp163Ter (NM_001413416.1); c.605G>A, p.Trp202Ter (NM_001413418.1); c.205-4543G>A (NM_001413417.1); c.205-1652G>A (NM_001413414.1); c.359-4543G>A (NM_001413415.1); short protein forms W163*, W202*.
Identifiers: ClinVar variation 4818274 (VCV004818274.1).